The following is an entry in ClinVar:

NM_003477.3(PDHX):c.1188A>G (p.Leu396=)

Gene: PDHX (pyruvate dehydrogenase complex component X; plus strand). Cytogenetic location: 11p13.
Variant type: single nucleotide variant.
Coding change: c.1188A>G on transcript NM_003477.3 (MANE Select); coding-DNA position 1188, A replaced by G.
Protein change: p.Leu396=; no amino-acid change (leucine 396 retained).
Molecular consequence: synonymous variant.
Genome position (GRCh38, 1-based): chr11:34,992,320, A>G. VCF-style: chr11-34992320-A-G. GRCh37 (hg19) VCF-style: chr11-35013867-A-G.
Other names: p.L396L:CTA>CTG; p.Leu396=; c.1008A>G, p.Leu336= (NM_001135024.2); c.507A>G, p.Leu169= (NM_001166158.2).
Identifiers: ClinVar variation 138665 (VCV000138665.15), dbSNP rs200434738, ClinGen allele CA292753.

ClinVar aggregate classification (germline): Benign. Review status: criteria provided, multiple submitters, no conflicts (2 of 4 stars). 4 submissions from 4 submitters: Benign (4). Last evaluated 2026-01-26.

Conditions:
Pyruvate dehydrogenase E3-binding protein deficiency (PDHXD). Also called: PYRUVATE HYDROGENASE E3-BINDING PROTEIN DEFICIENCY; Lacticacidemia due to PDX1 deficiency; E3-Binding Protein (Component X) Deficiency; LACTIC ACIDEMIA DUE TO DEFECT IN LIPOYL-CONTAINING COMPONENT X OF THE PYRUVATE DEHYDROGENASE COMPLEX. Identifiers: Orphanet 255182, MedGen C1855553, MONDO:0009503, OMIM 245349.

Allele frequency attached by ClinVar (database versions not stated): gnomAD 0.00004 and 0.00074; TOPMed 0.00019; gnomAD exomes 0.00136 and 0.00289; ExAC 0.00354; 1000 Genomes Project 30x 0.00640; 1000 Genomes Project 0.00679.
gnomAD v4.1: 2,104 of 1,594,812 alleles (0.13%); highest among the groups gnomAD compares: South Asian, 2.2%; 40 homozygotes.

Submissions (4):

Labcorp Genetics (formerly Invitae), Labcorp
Classification: Benign. Last evaluated: 2026-01-26. Review status: criteria provided, single submitter. Criteria: Invitae Variant Classification Sherloc (09022015). Collection method: clinical testing. Allele origin: germline.

Mayo Clinic Laboratories, Mayo Clinic
Classification: Benign. Last evaluated: 2024-05-06. Review status: criteria provided, single submitter. Criteria: ACMG Guidelines, 2015. Collection method: clinical testing. Allele origin: germline. Observed: 2 variant alleles.
Comment: BA1, BP4, BP7

Illumina Laboratory Services, Illumina
Classification: Benign for Pyruvate dehydrogenase E3-binding protein deficiency. Last evaluated: 2018-01-13. Review status: criteria provided, single submitter. Criteria: ICSL Variant Classification Criteria 13 December 2019. Collection method: clinical testing. Allele origin: germline.
Comment: This variant was observed in the ICSL laboratory as part of a predisposition screen in an ostensibly healthy population. It had not been previously curated by ICSL or reported in the Human Gene Mutation Database (HGMD: prior to June 1st, 2018), and was therefore a candidate for classification through an automated scoring system. Utilizing variant allele frequency, disease prevalence and penetrance estimates, and inheritance mode, an automated score was calculated to assess if this variant is too frequent to cause the disease. Based on the score and internal cut-off values, a variant classified as benign is not then subjected to further curation. The score for this variant resulted in a classification of benign for this disease.

GeneDx
Classification: Benign. Last evaluated: 2014-04-02. Review status: criteria provided, single submitter. Criteria: GeneDx Variant Classification (06012015). Collection method: clinical testing. Allele origin: germline. Affected: yes.
Comment: This variant is considered likely benign or benign based on one or more of the following criteria: it is a conservative change, it occurs at a poorly conserved position in the protein, it is predicted to be benign by multiple in silico algorithms, and/or has population frequency not consistent with disease.